The following is an entry in ClinVar:

ClinVar aggregate classification (germline): Pathogenic. Review status: criteria provided, single submitter (1 of 4 stars). 2 submissions from 2 submitters: Pathogenic (1). 1 of the submissions does not count toward it. Last evaluated 2024-02-13.

Conditions:
Neuronal ceroid lipofuscinosis 11. Also called: GRN-Related Neuronal Ceroid-Lipofuscinosis. Identifiers: Orphanet 314629, Orphanet 79262, MedGen C3539123, MONDO:0013866, OMIM 614706.
GRN-related frontotemporal lobar degeneration with Tdp43 inclusions (FTD2). Also called: FRONTOTEMPORAL DEMENTIA WITH TDP43 INCLUSIONS, GRN-RELATED; GRN Frontotemporal Dementia; DEMENTIA, HEREDITARY DYSPHASIC DISINHIBITION; FRONTOTEMPORAL LOBAR DEGENERATION WITH UBIQUITIN-POSITIVE INCLUSIONS; FTLD-TDP, GRN-RELATED. Identifiers: Orphanet 100070, Orphanet 282, MedGen C1843792, MONDO:0011842, OMIM 607485. Disease mechanism: loss of function.

Submissions (2):

Labcorp Genetics (formerly Invitae), Labcorp
Classification: Pathogenic for Neuronal ceroid lipofuscinosis 11; GRN-related frontotemporal lobar degeneration with Tdp43 inclusions. Last evaluated: 2024-02-13. Review status: criteria provided, single submitter. Criteria: Invitae Variant Classification Sherloc (09022015). Collection method: clinical testing. Allele origin: germline.
Comment: This sequence change creates a premature translational stop signal (p.Gly79Aspfs*39) in the GRN gene. It is expected to result in an absent or disrupted protein product. Loss-of-function variants in GRN are known to be pathogenic (PMID: 16862116, 16950801, 22608501). This variant is not present in population databases (gnomAD no frequency). This premature translational stop signal has been observed in individuals with frontotemporal lobar degeneration (PMID: 16950801, 32507413). ClinVar contains an entry for this variant (Variation ID: 98248). For these reasons, this variant has been classified as Pathogenic.

VIB  Department of Molecular Genetics, University of Antwerp
No classification provided. Review status: no classification provided. Collection method: not provided. Allele origin: unknown. Not counted in ClinVar's aggregate classification.

Literature cited by the submitters: PubMed 16862116 (cited by Labcorp Genetics (formerly Invitae), Labcorp); PubMed 16950801 (cited by Labcorp Genetics (formerly Invitae), Labcorp); PubMed 22608501 (cited by Labcorp Genetics (formerly Invitae), Labcorp); PubMed 32507413 (cited by Labcorp Genetics (formerly Invitae), Labcorp).

NM_002087.4(GRN):c.234_235del (p.Gly79fs)

Gene: GRN (granulin precursor; plus strand). Cytogenetic location: 17q21.31.
Variant type: Deletion.
Coding change: c.234_235del on transcript NM_002087.4 (MANE Select); coding-DNA positions 234 to 235, 2 bases deleted (AG; older notation c.234_235delAG).
Protein change: p.Gly79fs; shifts the reading frame from glycine 79.
Molecular consequence: frameshift variant.
Genome position (GRCh38, 1-based): chr17:44,349,521-44,349,522, AG deleted. VCF-style (leftmost placement, unchanged base first): chr17-44349520-CAG-C. GRCh37 (hg19) VCF-style: chr17-42426888-CAG-C.
Other names: short protein forms G79fs.
Identifiers: ClinVar variation 98248 (VCV000098248.5), dbSNP rs63750373, ClinGen allele CA225524.